The following is an entry in ClinVar:

NM_020822.3(KCNT1):c.1035+292C>T

Gene: KCNT1 (potassium sodium-activated channel subfamily T member 1; plus strand). Cytogenetic location: 9q34.3.
Variant type: single nucleotide variant.
Coding change: c.1035+292C>T on transcript NM_020822.3 (MANE Select); 292 bases into the intron after coding-DNA position 1035, C replaced by T.
Molecular consequence: intron variant.
Genome position (GRCh38, 1-based): chr9:135,760,151, C>T. VCF-style: chr9-135760151-C-T. GRCh37 (hg19) VCF-style: chr9-138651997-C-T.
Other names: NC_000009.11:g.138651997C>T; c.900+292C>T (NM_001272003.2).
Identifiers: ClinVar variation 668810 (VCV000668810.2), dbSNP rs78852596, ClinGen allele CA13119886.
Genomic context (GRCh38, chr9:135,760,151, plus strand): 5'-TCCTTCTGGGGAGATGGTGGGTCTCCAGTGCCAGGGTGACCTGCCCCTCCCAGGCCCAGG[C>T]AGAGTGCAGGGAAGGGTCAAGGTGGACAGCCGGCCCATTTCCCATCCACAGCCAGGTGCA-3'

ClinVar aggregate classification (germline): Benign (1 of 4 stars; one submission).

Allele frequency attached by ClinVar (database versions not stated): gnomAD 0.06689 and 0.07139; TOPMed 0.07423; 1000 Genomes Project 30x 0.11337; 1000 Genomes Project 0.11781.
gnomAD v4.1: 10,856 of 152,188 alleles (7.1%); highest among the groups gnomAD compares: East Asian, 25%; 575 homozygotes.

Submissions (2):

GeneDx
Classification: Benign. Last evaluated: 2018-06-19. Review status: criteria provided, single submitter. Criteria: GeneDx Variant Classification (06012015). Collection method: clinical testing. Allele origin: germline. Affected: yes.
Comment: This variant is considered likely benign or benign based on one or more of the following criteria: it is a conservative change, it occurs at a poorly conserved position in the protein, it is predicted to be benign by multiple in silico algorithms, and/or has population frequency not consistent with disease.

Dr. Peter K. Rogan Lab, Western University
No classification provided (evidence only). Condition: Ovarian serous cystadenocarcinoma. Review status: no classification provided. Collection method: in vitro. Allele origin: not applicable. Functional consequence: retained intron. Not counted in ClinVar's aggregate classification.